The following is an entry in ClinVar:

ClinVar aggregate classification (germline): Likely benign. Review status: criteria provided, multiple submitters, no conflicts (2 of 4 stars). 3 submissions from 3 submitters: Likely benign (3). Last evaluated 2024-05-19.

Conditions:
Cardiomyopathy (CMYO). Also called: Cardiomyopathies. Identifiers: Orphanet 167848, MedGen C0878544, MONDO:0004994, HP:0001638. Inheritance: Various modes of inheritance.
Arrhythmogenic right ventricular dysplasia 5. Also called: Arrhythmogenic Right Ventricular Dysplasia/Cardiomyopathy 5; ARRHYTHMOGENIC RIGHT VENTRICULAR DYSPLASIA, FAMILIAL, 5. Identifiers: MedGen C1858379, MONDO:0011459, OMIM 604400.

Allele frequency attached by ClinVar (database versions not stated): gnomAD 0.00001; gnomAD exomes 0.00001; TOPMed 0.00001; ExAC 0.00002.

Submissions (3):

Labcorp Genetics (formerly Invitae), Labcorp
Classification: Likely benign for Arrhythmogenic right ventricular dysplasia 5. Last evaluated: 2024-05-19. Review status: criteria provided, single submitter. Criteria: Invitae Variant Classification Sherloc (09022015). Collection method: clinical testing. Allele origin: germline.

All of Us Research Program, National Institutes of Health
Classification: Likely benign for Arrhythmogenic right ventricular dysplasia 5. Last evaluated: 2024-01-11. Review status: criteria provided, single submitter. Criteria: ACMG Guidelines, 2015. Collection method: clinical testing. Allele origin: germline. Inheritance: Autosomal dominant inheritance. Observed: 5 variant alleles, 5 heterozygotes.
Comment: This study involves interpretation of variants in research participants for the purpose of population health screening. Participant phenotype was not available at the time of variant classification. Additional details can be found in publication PMID: 35346344, PMCID: PMC8962531

Color Diagnostics, LLC DBA Color Health
Classification: Likely benign for Cardiomyopathy. Last evaluated: 2019-06-19. Review status: criteria provided, single submitter. Criteria: ACMG Guidelines, 2015. Collection method: clinical testing. Allele origin: germline.

NM_024334.3(TMEM43):c.1001-11C>T

Gene: TMEM43 (transmembrane protein 43; plus strand). Cytogenetic location: 3p25.1.
Variant type: single nucleotide variant.
Coding change: c.1001-11C>T on transcript NM_024334.3 (MANE Select); 11 bases into the intron before coding-DNA position 1001, C replaced by T.
Molecular consequence: intron variant.
Genome position (GRCh38, 1-based): chr3:14,141,582, C>T. VCF-style: chr3-14141582-C-T. GRCh37 (hg19) VCF-style: chr3-14183082-C-T.
Identifiers: ClinVar variation 924738 (VCV000924738.10), dbSNP rs755132712, ClinGen allele CA050890.